The following is an entry in ClinVar:

ClinVar aggregate classification (germline): Likely benign (1 of 4 stars; one submission).

Conditions:
Hereditary factor VIII deficiency disease (HEMA). Also called: AUTOSOMAL HEMOPHILIA A; Hemophilia A, congenital; HEM A; Factor 8 deficiency, congenital; HEMOPHILIA, CLASSIC; Hemophilia A. Identifiers: Orphanet 98878, MedGen C0019069, MONDO:0010602, OMIM 306700.

Allele frequency attached by ClinVar (database versions not stated): gnomAD 0.00003; 1000 Genomes Project 30x 0.00083; 1000 Genomes Project 0.00106.
gnomAD v4.1: 3 of 111,844 alleles (0.0027%); highest among the groups gnomAD compares: South Asian, 0.11%; no homozygotes.

Submission:

Illumina Laboratory Services, Illumina
Classification: Likely benign for Hereditary factor VIII deficiency disease. Last evaluated: 2018-01-12. Review status: criteria provided, single submitter. Criteria: ICSL Variant Classification Criteria 13 December 2019. Collection method: clinical testing. Allele origin: germline.
Comment: This variant was observed in the ICSL laboratory as part of a predisposition screen in an ostensibly healthy population. It had not been previously curated by ICSL or reported in the Human Gene Mutation Database (HGMD: prior to June 1st, 2018), and was therefore a candidate for classification through an automated scoring system. Utilizing variant allele frequency, disease prevalence and penetrance estimates, and inheritance mode, an automated score was calculated to assess if this variant is too frequent to cause the disease. Based on the score and internal cut-off values, a variant classified as likely benign is not then subjected to further curation. The score for this variant resulted in a classification of likely benign for this disease.

NM_000132.4(F8):c.*992A>G

Gene: F8 (coagulation factor VIII; minus strand). Cytogenetic location: Xq28.
Variant type: single nucleotide variant.
Coding change: c.*992A>G on transcript NM_000132.4 (MANE Select); 992 bases downstream of the stop codon, A replaced by G.
Molecular consequence: 3 prime UTR variant.
Genome position (GRCh38, 1-based): chrX:154,836,605, T>C on the plus strand (A>G on the coding strand, the complement: F8 is on the minus strand). VCF-style: chrX-154836605-T-C. GRCh37 (hg19) VCF-style: chrX-154064880-T-C.
Other names: c.*992A>G (NM_019863.3).
Identifiers: ClinVar variation 913206 (VCV000913206.4), dbSNP rs782499043, ClinGen allele CA337318980.